The following is an entry in ClinVar:

ClinVar aggregate classification (germline): Likely benign. Review status: criteria provided, multiple submitters, no conflicts (2 of 4 stars). 2 submissions from 2 submitters: Likely benign (2). Last evaluated 2026-08-01.

Allele frequency attached by ClinVar (database versions not stated): gnomAD 0.00001.
gnomAD v4.1: 1 of 1,612,728 alleles (0.000062%); highest among the groups gnomAD compares: Non-Finnish European, 0.000085%; no homozygotes.

Submissions (2):

CeGaT Center for Human Genetics Tuebingen
Classification: Likely benign. Last evaluated: 2026-08-01. Review status: criteria provided, single submitter. Criteria: CeGaT Center For Human Genetics Tuebingen Variant Classification Criteria Version 2. Collection method: clinical testing. Allele origin: germline. Affected: yes. Observed: 1 variant allele.
Comment: NDUFS7: BP4, BP7

Labcorp Genetics (formerly Invitae), Labcorp
Classification: Likely benign. Last evaluated: 2024-02-14. Review status: criteria provided, single submitter. Criteria: Invitae Variant Classification Sherloc (09022015). Collection method: clinical testing. Allele origin: germline.

NM_024407.5(NDUFS7):c.357C>G (p.Val119=)

Gene: NDUFS7 (NADH:ubiquinone oxidoreductase core subunit S7; plus strand). Cytogenetic location: 19p13.3.
Variant type: single nucleotide variant.
Coding change: c.357C>G on transcript NM_024407.5 (MANE Select); coding-DNA position 357, C replaced by G.
Protein change: p.Val119=; no amino-acid change (valine 119 retained).
Molecular consequence: synonymous variant.
Genome position (GRCh38, 1-based): chr19:1,390,999, C>G. VCF-style: chr19-1390999-C-G. GRCh37 (hg19) VCF-style: chr19-1390998-C-G.
Other names: c.357C>G, p.Val119= (NM_001363602.2).
Identifiers: ClinVar variation 1565664 (VCV001565664.9), dbSNP rs1180169020, ClinGen allele CA504895096.